The following is an entry in ClinVar:

ClinVar aggregate classification (germline): Uncertain significance. Review status: criteria provided, multiple submitters, no conflicts (2 of 4 stars). 4 submissions from 4 submitters: Uncertain significance (4). Last evaluated 2024-10-04.

Conditions:
Usher syndrome type 3B. Also called: USHER SYNDROME, TYPE IIIB. Identifiers: MedGen C3281066, MONDO:0013788, OMIM 614504.

Allele frequency attached by ClinVar (database versions not stated): gnomAD 0.00001; TOPMed 0.00001.
gnomAD v4.1: 2 of 1,614,114 alleles (0.00012%); highest among the groups gnomAD compares: Non-Finnish European, 0.00017%; no homozygotes.

Submissions (4):

Labcorp Genetics (formerly Invitae), Labcorp
Classification: Uncertain significance for Usher syndrome type 3B. Last evaluated: 2024-10-04. Review status: criteria provided, single submitter. Criteria: Invitae Variant Classification Sherloc (09022015). Collection method: clinical testing. Allele origin: germline.
Comment: This sequence change replaces valine, which is neutral and non-polar, with leucine, which is neutral and non-polar, at codon 377 of the HARS protein (p.Val377Leu). This variant is not present in population databases (gnomAD no frequency). This variant has not been reported in the literature in individuals affected with HARS-related conditions. ClinVar contains an entry for this variant (Variation ID: 1680304). Invitae Evidence Modeling of protein sequence and biophysical properties (such as structural, functional, and spatial information, amino acid conservation, physicochemical variation, residue mobility, and thermodynamic stability) indicates that this missense variant is not expected to disrupt HARS protein function with a negative predictive value of 80%. In summary, the available evidence is currently insufficient to determine the role of this variant in disease. Therefore, it has been classified as a Variant of Uncertain Significance.

Mayo Clinic Laboratories, Mayo Clinic
Classification: Uncertain significance. Last evaluated: 2022-08-03. Review status: criteria provided, single submitter. Criteria: ACMG Guidelines, 2015. Collection method: clinical testing. Allele origin: germline. Observed: 1 variant allele.
Comment: PM2

Ambry Genetics
Classification: Uncertain significance. Last evaluated: 2021-03-31. Review status: criteria provided, single submitter. Criteria: Ambry Variant Classification Scheme 2023. Collection method: clinical testing. Allele origin: germline.
Comment: The p.V377L variant (also known as c.1129G>T), located in coding exon 10 of the HARS gene, results from a G to T substitution at nucleotide position 1129. The valine at codon 377 is replaced by leucine, an amino acid with highly similar properties. This amino acid position is highly conserved in available vertebrate species. In addition, the in silico prediction for this alteration is inconclusive. Since supporting evidence is limited at this time, the clinical significance of this alteration remains unclear.

Blueprint Genetics
Classification: Uncertain significance. Last evaluated: 2019-10-28. Review status: criteria provided, single submitter. Criteria: ACMG Guidelines, 2015. Collection method: clinical testing. Allele origin: germline.

NM_002109.6(HARS1):c.1129G>T (p.Val377Leu)

Gene: HARS1 (histidyl-tRNA synthetase 1; minus strand). Cytogenetic location: 5q31.3.
Variant type: single nucleotide variant.
Coding change: c.1129G>T on transcript NM_002109.6 (MANE Select); coding-DNA position 1129, G replaced by T.
Protein change: p.Val377Leu; replaces valine 377 with leucine.
Molecular consequence: missense variant.
Genome position (GRCh38, 1-based): chr5:140,676,719, C>A on the plus strand (G>T on the coding strand, the complement: HARS1 is on the minus strand). VCF-style: chr5-140676719-C-A. GRCh37 (hg19) VCF-style: chr5-140056304-C-A.
Other names: p.Val377Leu; c.1129G>T (NM_002109.5); c.1009G>T, p.Val337Leu (NM_001258040.3); c.1069G>T, p.Val357Leu (NM_001258041.3); c.949G>T, p.Val317Leu (NM_001258042.3); c.907G>T, p.Val303Leu (NM_001289092.2); c.787G>T, p.Val263Leu (NM_001289093.2); c.1042G>T, p.Val348Leu (NM_001289094.2); short protein forms V263L, V303L, V317L, V337L, V348L, V357L, V377L.
Identifiers: ClinVar variation 1680304 (VCV001680304.10), dbSNP rs1236403537, ClinGen allele CA361250948.
Genomic context (GRCh38, chr5:140,676,719, plus strand): 5'-GTCTCTGTTCCACGATGGAGAAAATCCGCTCCACCCCAATGCTGAGCCCCACACATGGCA[C>A]CTTGCGCCCTTTGGGGTCGAACATGCCCACTAGCCCATCATAGCGTCCTCCAGCAGCCAC-3'
Protein context (NP_002100.2, residues 367-387): VGMFDPKGRK[Val377Leu]PCVGLSIGVE